The following is an entry in ClinVar:

ClinVar aggregate classification (germline): Uncertain significance (1 of 4 stars; one submission).

Conditions:
Inborn genetic diseases. Identifiers: MedGen C0950123, MeSH D030342.

Submission:

Ambry Genetics
Classification: Uncertain significance for Inborn genetic diseases. Last evaluated: 2025-01-15. Review status: criteria provided, single submitter. Criteria: Ambry Variant Classification Scheme 2023. Collection method: clinical testing. Allele origin: germline.
Comment: The c.5777G>C (p.R1926P) alteration is located in exon 24 (coding exon 23) of the MYO15A gene. This alteration results from a G to C substitution at nucleotide position 5777, causing the arginine (R) at amino acid position 1926 to be replaced by a proline (P). This variant was not reported in population-based cohorts in the Genome Aggregation Database (gnomAD). This amino acid position is highly conserved in available vertebrate species. This alteration is predicted to be deleterious by in silico analysis. Based on insufficient or conflicting evidence, the clinical significance of this alteration remains unclear.

NM_016239.4(MYO15A):c.5777G>C (p.Arg1926Pro)

Gene: MYO15A (myosin XVA; plus strand). Cytogenetic location: 17p11.2.
Variant type: single nucleotide variant.
Coding change: c.5777G>C on transcript NM_016239.4 (MANE Select); coding-DNA position 5777, G replaced by C.
Protein change: p.Arg1926Pro; replaces arginine 1926 with proline.
Molecular consequence: missense variant.
Genome position (GRCh38, 1-based): chr17:18,142,206, G>C. VCF-style: chr17-18142206-G-C. GRCh37 (hg19) VCF-style: chr17-18045520-G-C.
Other names: short protein forms R1926P.
Identifiers: ClinVar variation 3401262 (VCV003401262.2).